The following is an entry in ClinVar:

ClinVar aggregate classification (germline): Uncertain significance (1 of 4 stars; one submission).

gnomAD v4.1: 8 of 1,600,690 alleles (0.0005%); highest among the groups gnomAD compares: East Asian, 0.011%; no homozygotes.

Submission:

Women's Health and Genetics/Laboratory Corporation of America, LabCorp
Classification: Uncertain significance. Last evaluated: 2025-12-16. Review status: criteria provided, single submitter. Criteria: LabCorp Variant Classification Summary - May 2015. Collection method: clinical testing. Allele origin: germline.
Comment: Variant summary: GHSR c.49G>A (p.Ala17Thr) results in a non-conservative amino acid change in the encoded protein sequence. Algorithms developed to predict the effect of missense changes on protein structure and function are either unavailable or do not agree on the potential impact of this missense change. The variant allele was found at a frequency of 8.5e-06 in 235562 control chromosomes. The available data on variant occurrences in the general population are insufficient to allow any conclusion about variant significance. To our knowledge, no occurrence of c.49G>A in individuals affected with GHSR-related conditions and no experimental evidence demonstrating its impact on protein function have been reported. No submitters have cited clinical-significance assessments for this variant to ClinVar. Based on the evidence outlined above, the variant was classified as uncertain significance.

NM_198407.2(GHSR):c.49G>A (p.Ala17Thr)

Gene: GHSR (growth hormone secretagogue receptor; minus strand). Cytogenetic location: 3q26.31.
Variant type: single nucleotide variant.
Coding change: c.49G>A on transcript NM_198407.2 (MANE Select); coding-DNA position 49, G replaced by A.
Protein change: p.Ala17Thr; replaces alanine 17 with threonine.
Molecular consequence: missense variant.
Genome position (GRCh38, 1-based): chr3:172,448,365, C>T on the plus strand (G>A on the coding strand, the complement: GHSR is on the minus strand). VCF-style: chr3-172448365-C-T. GRCh37 (hg19) VCF-style: chr3-172166155-C-T.
Other names: c.49G>A, p.Ala17Thr (NM_004122.2); short protein forms A17T.
Identifiers: ClinVar variation 4688262 (VCV004688262.1).